The following is an entry in ClinVar:

ClinVar aggregate classification (germline): Uncertain significance. Review status: criteria provided, multiple submitters, no conflicts (2 of 4 stars). 3 submissions from 3 submitters: Uncertain significance (3). Last evaluated 2026-01-05.

Conditions:
Hereditary cancer-predisposing syndrome. Also called: Hereditary Cancer Syndrome; Tumor predisposition; Hereditary neoplastic syndrome; Neoplastic Syndromes, Hereditary. Identifiers: Orphanet 140162, MedGen C0027672, MeSH D009386, MONDO:0015356.

Allele frequency attached by ClinVar (database versions not stated): TOPMed below 0.00001.

Submissions (3):

Labcorp Genetics (formerly Invitae), Labcorp
Classification: Uncertain significance. Last evaluated: 2026-01-05. Review status: criteria provided, single submitter. Criteria: Invitae Variant Classification Sherloc (09022015). Collection method: clinical testing. Allele origin: germline.
Comment: This sequence change replaces threonine, which is neutral and polar, with alanine, which is neutral and non-polar, at codon 906 of the POLE protein (p.Thr906Ala). This variant is not present in population databases (gnomAD no frequency). This variant has not been reported in the literature in individuals affected with POLE-related conditions. ClinVar contains an entry for this variant (Variation ID: 645252). Invitae Evidence Modeling of protein sequence and biophysical properties (such as structural, functional, and spatial information, amino acid conservation, physicochemical variation, residue mobility, and thermodynamic stability) indicates that this missense variant is expected to disrupt POLE protein function with a positive predictive value of 80%. In summary, the available evidence is currently insufficient to determine the role of this variant in disease. Therefore, it has been classified as a Variant of Uncertain Significance.

Ambry Genetics
Classification: Uncertain significance for Hereditary cancer-predisposing syndrome. Last evaluated: 2025-06-12. Review status: criteria provided, single submitter. Criteria: Ambry Variant Classification Scheme 2023. Collection method: clinical testing. Allele origin: germline.
Comment: The p.T906A variant (also known as c.2716A>G), located in coding exon 24 of the POLE gene, results from an A to G substitution at nucleotide position 2716. The threonine at codon 906 is replaced by alanine, an amino acid with similar properties. This amino acid position is highly conserved in available vertebrate species. In addition, the in silico prediction for this alteration is inconclusive. Based on the available evidence, the clinical significance of this variant remains unclear.

GeneDx
Classification: Uncertain significance. Last evaluated: 2025-03-19. Review status: criteria provided, single submitter. Criteria: GeneDx Variant Classification Process June 2021. Collection method: clinical testing. Allele origin: germline. Affected: yes.
Comment: Not observed at significant frequency in large population cohorts (gnomAD); In silico analysis supports that this missense variant has a deleterious effect on protein structure/function; Has not been previously published as pathogenic or benign to our knowledge; This variant is associated with the following publications: (PMID: 20951805)

NM_006231.4(POLE):c.2716A>G (p.Thr906Ala)

Gene: POLE (DNA polymerase epsilon, catalytic subunit; minus strand). Cytogenetic location: 12q24.33.
Variant type: single nucleotide variant.
Coding change: c.2716A>G on transcript NM_006231.4 (MANE Select); coding-DNA position 2716, A replaced by G.
Protein change: p.Thr906Ala; replaces threonine 906 with alanine.
Molecular consequence: missense variant.
Genome position (GRCh38, 1-based): chr12:132,661,675, T>C on the plus strand (A>G on the coding strand, the complement: POLE is on the minus strand). VCF-style: chr12-132661675-T-C. GRCh37 (hg19) VCF-style: chr12-133238261-T-C.
Other names: c.2716A>G (NM_006231.2); short protein forms T906A.
Identifiers: ClinVar variation 645252 (VCV000645252.14), dbSNP rs935816567, ClinGen allele CA246317445.